The following is an entry in ClinVar:

NM_024996.7(GFM1):c.1273dup (p.Cys425fs)

Gene: GFM1 (G elongation factor mitochondrial 1; plus strand). Cytogenetic location: 3q25.32.
Variant type: Duplication.
Coding change: c.1273dup on transcript NM_024996.7 (MANE Select); coding-DNA position 1273, one base duplicated (T; older notation c.1273dupT).
Protein change: p.Cys425fs; shifts the reading frame from cysteine 425.
Molecular consequence: frameshift variant. On other transcripts: non-coding transcript variant (4).
Genome position (GRCh38, 1-based): chr3:158,660,925, T duplicated. VCF-style (leftmost placement, unchanged base first): chr3-158660924-C-CT. GRCh37 (hg19) VCF-style: chr3-158378713-C-CT.
Other names: c.1330dup, p.Cys444fs (NM_001308164.2); c.1273dup, p.Cys425fs (NM_001308166.2); c.1192dup, p.Cys398fs (NM_001374355.1); c.1156dup, p.Cys386fs (NM_001374356.1); c.1048dup, p.Cys350fs (NM_001374357.1); c.814dup, p.Cys272fs (NM_001374358.1); c.706dup, p.Cys236fs (NM_001374359.1, NM_001374360.1); c.589dup, p.Cys197fs (NM_001374361.1); short protein forms C197fs, C236fs, C272fs, C350fs, C386fs, C398fs, C425fs, C444fs.
Identifiers: ClinVar variation 4816180 (VCV004816180.1).
Genomic context (GRCh38, chr3:158,660,924, plus strand): 5'-GTTTTTTTAGGATGTTGAGGAAGTATATGCCGGAGACATCTGTGCATTGTTTGGCATTGA[C>CT]TGTGCTAGTGGAGACACATTCACAGACAAAGCCAACAGCGGCCTTTCTATGGTAAGCCAT-3'

ClinVar aggregate classification (germline): Likely pathogenic (1 of 4 stars; one submission).

Conditions:
Hepatoencephalopathy due to combined oxidative phosphorylation defect type 1. Also called: HEPATOENCEPHALOPATHY, EARLY FATAL PROGRESSIVE. Identifiers: Orphanet 137681, MedGen C1836797, MONDO:0012191, OMIM 609060.

Submission:

Natera, Inc.
Classification: Likely pathogenic for Combined oxidative phosphorylation deficiency 1. Last evaluated: 2024-12-31. Review status: criteria provided, single submitter. Criteria: Natera Variant Classification Schema (03/2026). Collection method: clinical testing. Allele origin: germline.
Comment: The c.1273dup variant in GFM1 is a frameshift variant predicted to shift the reading frame beginning at codon 425 and leads to a stop codon 3 codons downstream. This variant is expected to result in nonsense mediated decay, truncation, or a dysfunctional protein product. This variant is rare in the general population with a frequency below the threshold expected for the associated phenotype(s). Given the available evidence, this variant is classified as Likely Pathogenic.